The following is an entry in ClinVar:

ClinVar aggregate classification (germline): Likely benign (0 of 4 stars; one submission).

Conditions:
MSH6-related disorder. Also called: MSH6-Related disorders; MSH6-related condition.

Submission:

PreventionGenetics, part of Exact Sciences
Classification: Likely benign for MSH6-related condition. Last evaluated: 2021-01-18. Review status: no assertion criteria provided. Collection method: clinical testing. Allele origin: germline.
Comment: This variant is classified as likely benign based on ACMG/AMP sequence variant interpretation guidelines (Richards et al. 2015 PMID: 25741868, with internal and published modifications).

NM_000179.3(MSH6):c.957G>T (p.Thr319=)

Gene: MSH6 (mutS homolog 6; plus strand). Cytogenetic location: 2p16.3.
Variant type: single nucleotide variant.
Coding change: c.957G>T on transcript NM_000179.3 (MANE Select); coding-DNA position 957, G replaced by T.
Protein change: p.Thr319=; no amino-acid change (threonine 319 retained).
Molecular consequence: synonymous variant. On other transcripts: non-coding transcript variant (4), intron variant (1).
Genome position (GRCh38, 1-based): chr2:47,798,940, G>T. VCF-style: chr2-47798940-G-T. GRCh37 (hg19) VCF-style: chr2-48026079-G-T.
Other names: c.567G>T, p.Thr189= (NM_001281492.2); c.51G>T, p.Thr17= (NM_001281493.2, NM_001281494.2, NM_001406811.1 and 6 more transcripts); c.1053G>T, p.Thr351= (NM_001406795.1, NM_001406802.1); c.957G>T, p.Thr319= (NM_001406796.1, NM_001406798.1, NM_001406800.1 and 4 more transcripts); c.660G>T, p.Thr220= (NM_001406797.1, NM_001406801.1, NM_001406805.1 and 10 more transcripts); c.432G>T, p.Thr144= (NM_001406799.1, NM_001406806.1, NM_001406807.1); c.879G>T, p.Thr293= (NM_001406804.1); c.963G>T, p.Thr321= (NM_001406813.1); and 2 more.
Identifiers: ClinVar variation 3030406 (VCV003030406.2), dbSNP rs375210430, ClinGen allele CA426120648.